The following is an entry in ClinVar:

ClinVar aggregate classification (germline): Pathogenic (1 of 4 stars; one submission).

Submission:

CeGaT Center for Human Genetics Tuebingen
Classification: Pathogenic. Last evaluated: 2023-06-01. Review status: criteria provided, single submitter. Criteria: CeGaT Center For Human Genetics Tuebingen Variant Classification Criteria Version 2. Collection method: clinical testing. Allele origin: germline. Affected: yes. Observed: 1 variant allele.
Comment: TYR: PVS1, PM2

NM_000372.5(TYR):c.301_309delinsA (p.Gly101fs)

Gene: TYR (tyrosinase; plus strand). Cytogenetic location: 11q14.3.
Variant type: Indel.
Coding change: c.301_309delinsA on transcript NM_000372.5 (MANE Select); coding-DNA positions 301 to 309, GGAAACTGC replaced by A.
Protein change: p.Gly101fs; shifts the reading frame from glycine 101.
Molecular consequence: frameshift variant.
Genome position (GRCh38, 1-based): chr11:89,178,254-89,178,262, GGAAACTGC replaced by A. VCF-style: chr11-89178254-GGAAACTGC-A. GRCh37 (hg19) VCF-style: chr11-88911422-GGAAACTGC-A.
Other names: short protein forms G101fs.
Identifiers: ClinVar variation 2570807 (VCV002570807.27), dbSNP rs2496528669, ClinGen allele CA2580616401.